The following is an entry in ClinVar:

NM_002465.4(MYBPC1):c.774C>T (p.Asp258=)

Gene: MYBPC1 (myosin binding protein C1; plus strand). Cytogenetic location: 12q23.2.
Variant type: single nucleotide variant.
Coding change: c.774C>T on transcript NM_002465.4 (MANE Select); coding-DNA position 774, C replaced by T.
Protein change: p.Asp258=; no amino-acid change (aspartic acid 258 retained).
Molecular consequence: synonymous variant.
Genome position (GRCh38, 1-based): chr12:101,642,527, C>T. VCF-style: chr12-101642527-C-T. GRCh37 (hg19) VCF-style: chr12-102036305-C-T.
Other names: p.Asp258=; c.699C>T, p.Asp233= (NM_001254718.3, NM_001254719.3, NM_206820.4 and 1 more transcripts); c.663C>T, p.Asp221= (NM_001254720.3); c.642C>T, p.Asp214= (NM_001254721.3, NM_001404676.1, NM_001404678.1); c.621C>T, p.Asp207= (NM_001254722.3, NM_001404680.1); c.660C>T, p.Asp220= (NM_001254723.3); c.774C>T, p.Asp258= (NM_001404675.1, NM_206819.4); c.564C>T, p.Asp188= (NM_001404677.1, NM_001404679.1, NM_001404681.1).
Identifiers: ClinVar variation 129647 (VCV000129647.20), dbSNP rs2293468, ClinGen allele CA153771.

ClinVar aggregate classification (germline): Benign. Review status: criteria provided, multiple submitters, no conflicts (2 of 4 stars). 11 submissions from 9 submitters: Benign (9). 2 of the submissions do not count toward it. Last evaluated 2022-03-24.

Conditions:
Myopathy, congenital, with tremor. Also called: CONGENITAL MYOPATHY 16; myogenic tremor. Identifiers: MedGen C5231401, MONDO:0032797, OMIM 618524.
Lethal congenital contracture syndrome 4 (LCCS4). Identifiers: MedGen C3554046, MONDO:0013965, OMIM 614915.
Arthrogryposis, distal, type 1B. Identifiers: Orphanet 1146, MedGen C3280526, MONDO:0013698, OMIM 614335.

Allele frequency attached by ClinVar (database versions not stated): gnomAD exomes 0.28888 and 0.29610; gnomAD 0.29234 and 0.29320; ESP Exome Variant Server 0.28825; ExAC 0.30026; 1000 Genomes Project 30x 0.28982; TOPMed 0.28744; 1000 Genomes Project 0.29433.
gnomAD v4.1: 476,658 of 1,612,768 alleles (30%); highest among the groups gnomAD compares: East Asian, 39%; 71,493 homozygotes.

Submissions (11):

Mayo Clinic Laboratories, Mayo Clinic
Classification: Benign. Last evaluated: 2022-03-24. Review status: criteria provided, single submitter. Criteria: ACMG Guidelines, 2015. Collection method: clinical testing. Allele origin: germline. Observed: 148 variant alleles.

Genome-Nilou Lab
Classification: Benign for Arthrogryposis, distal, type 1B. Last evaluated: 2021-09-05. Review status: criteria provided, single submitter. Criteria: ACMG Guidelines, 2015. Collection method: clinical testing. Allele origin: germline. Affected: no.

Genome-Nilou Lab
Classification: Benign for Lethal congenital contracture syndrome 4. Last evaluated: 2021-09-05. Review status: criteria provided, single submitter. Criteria: ACMG Guidelines, 2015. Collection method: clinical testing. Allele origin: germline. Affected: no.

Genome-Nilou Lab
Classification: Benign for Myopathy, congenital, with tremor. Last evaluated: 2021-09-05. Review status: criteria provided, single submitter. Criteria: ACMG Guidelines, 2015. Collection method: clinical testing. Allele origin: germline. Affected: no.

GeneDx
Classification: Benign. Last evaluated: 2018-11-12. Review status: criteria provided, single submitter. Criteria: GeneDx Variant Classification Process June 2021. Collection method: clinical testing. Allele origin: germline. Affected: yes.

Illumina Laboratory Services, Illumina
Classification: Benign for Arthrogryposis, distal, type 1B. Last evaluated: 2018-01-13. Review status: criteria provided, single submitter. Criteria: ICSL Variant Classification Criteria 13 December 2019. Collection method: clinical testing. Allele origin: germline.
Comment: This variant was observed in the ICSL laboratory as part of a predisposition screen in an ostensibly healthy population. It had not been previously curated by ICSL or reported in the Human Gene Mutation Database (HGMD: prior to June 1st, 2018), and was therefore a candidate for classification through an automated scoring system. Utilizing variant allele frequency, disease prevalence and penetrance estimates, and inheritance mode, an automated score was calculated to assess if this variant is too frequent to cause the disease. Based on the score and internal cut-off values, a variant classified as benign is not then subjected to further curation. The score for this variant resulted in a classification of benign for this disease.

Genetic Services Laboratory, University of Chicago
Classification: Benign for AllHighlyPenetrant. Last evaluated: 2013-08-15. Review status: criteria provided, single submitter. Criteria: ACMG Guidelines, 2007. Collection method: clinical testing. Allele origin: germline. Inheritance: Autosomal recessive inheritance.

Breakthrough Genomics
Classification: Benign. Review status: criteria provided, single submitter. Criteria: ACMG Guidelines, 2015. Collection method: not provided. Allele origin: germline. Inheritance: Autosomal recessive inheritance. Affected: yes.

PreventionGenetics, part of Exact Sciences
Classification: Benign. Review status: criteria provided, single submitter. Criteria: ACMG Guidelines, 2015. Collection method: clinical testing. Allele origin: germline.

Clinical Genetics, Academic Medical Center
Classification: Benign. Review status: no assertion criteria provided. Collection method: clinical testing. Allele origin: germline. Affected: yes. Study: VKGL Data-share Consensus. Not counted in ClinVar's aggregate classification.

Joint Genome Diagnostic Labs from Nijmegen and Maastricht, Radboudumc and MUMC+
Classification: Benign. Review status: no assertion criteria provided. Collection method: clinical testing. Allele origin: germline. Affected: yes. Study: VKGL Data-share Consensus. Not counted in ClinVar's aggregate classification.